The following is an entry in ClinVar:

NM_001378454.1(ALMS1):c.5800C>T (p.Pro1934Ser)

Gene: ALMS1 (ALMS1 centrosome and basal body associated protein; plus strand). Cytogenetic location: 2p13.1.
Variant type: single nucleotide variant.
Coding change: c.5800C>T on transcript NM_001378454.1 (MANE Select); coding-DNA position 5800, C replaced by T.
Protein change: p.Pro1934Ser; replaces proline 1934 with serine.
Molecular consequence: missense variant.
Genome position (GRCh38, 1-based): chr2:73,452,327, C>T. VCF-style: chr2-73452327-C-T. GRCh37 (hg19) VCF-style: chr2-73679454-C-T.
Other names: c.5803C>T, p.Pro1935Ser (NM_015120.4); short protein forms P1934S, P1935S.
Identifiers: ClinVar variation 2162164 (VCV002162164.4), dbSNP rs143859223, ClinGen allele CA1713941.

ClinVar aggregate classification (germline): Uncertain significance (1 of 4 stars; one submission).

Conditions:
Alstrom syndrome (ALMS). Identifiers: Orphanet 64, MedGen C0268425, MONDO:0008763, OMIM 203800.

Allele frequency attached by ClinVar (database versions not stated): gnomAD exomes below 0.00001; ExAC 0.00001; gnomAD 0.00002; TOPMed 0.00002; 1000 Genomes Project 30x 0.00016; 1000 Genomes Project 0.00020.
gnomAD v4.1: 4 of 1,613,986 alleles (0.00025%); highest among the groups gnomAD compares: African/African-American, 0.004%; no homozygotes.

Submission:

Labcorp Genetics (formerly Invitae), Labcorp
Classification: Uncertain significance for Alstrom syndrome. Last evaluated: 2023-01-21. Review status: criteria provided, single submitter. Criteria: Invitae Variant Classification Sherloc (09022015). Collection method: clinical testing. Allele origin: germline.
Comment: Experimental studies and prediction algorithms are not available or were not evaluated, and the functional significance of this variant is currently unknown. In summary, the available evidence is currently insufficient to determine the role of this variant in disease. Therefore, it has been classified as a Variant of Uncertain Significance. This variant has not been reported in the literature in individuals affected with ALMS1-related conditions. This variant is present in population databases (rs143859223, gnomAD 0.007%). This sequence change replaces proline, which is neutral and non-polar, with serine, which is neutral and polar, at codon 1935 of the ALMS1 protein (p.Pro1935Ser).